The following is an entry in ClinVar:

NM_003954.5(MAP3K14):c.132C>T (p.Ala44=)

Gene: MAP3K14 (mitogen-activated protein kinase kinase kinase 14; minus strand). Cytogenetic location: 17q21.31.
Variant type: single nucleotide variant.
Coding change: c.132C>T on transcript NM_003954.5 (MANE Select); coding-DNA position 132, C replaced by T.
Protein change: p.Ala44=; no amino-acid change (alanine 44 retained).
Molecular consequence: synonymous variant.
Genome position (GRCh38, 1-based): chr17:45,290,614, G>A on the plus strand (C>T on the coding strand, the complement: MAP3K14 is on the minus strand). VCF-style: chr17-45290614-G-A. GRCh37 (hg19) VCF-style: chr17-43367980-G-A.
Other names: c.132C>T, p.Ala44= (LRG_1222t1).
Identifiers: ClinVar variation 478058 (VCV000478058.42), dbSNP rs55740287, ClinGen allele CA8614448.
Genomic context (GRCh38, chr17:45,290,614, plus strand): 5'-CTTGGTAATCACGTCATTCAGGATCTCCCACTTTCCGCAGAACACAGGGCTCTTCTCCAC[G>A]GCCTCAAGCTTGTAGACGGAGCTCTGTTTCTTCCCCAGTGGCGGCGTCTTCTCCTTGGCT-3'
Protein context (NP_003945.2, residues 34-54): KKQSSVYKLE[Ala44=]VEKSPVFCGK

ClinVar aggregate classification (germline): Benign/Likely benign. Review status: criteria provided, multiple submitters, no conflicts (2 of 4 stars). 4 submissions from 4 submitters: Benign (3); Likely benign (1). Last evaluated 2026-03-01.

Conditions:
NIK deficiency. Also called: Primary immunodeficiency with multifaceted aberrant lymphoid immunity. Identifiers: Orphanet 447731, MedGen C5680065, MONDO:0018642.

Allele frequency attached by ClinVar (database versions not stated): 1000 Genomes Project 30x 0.00141; 1000 Genomes Project 0.00160; ESP Exome Variant Server 0.00300; TOPMed 0.00333; ExAC 0.00408; gnomAD 0.00428; gnomAD exomes 0.00454.
gnomAD v4.1: 6,917 of 1,613,678 alleles (0.43%); highest among the groups gnomAD compares: Middle Eastern, 1.5%; 29 homozygotes.

Submissions (4):

CeGaT Center for Human Genetics Tuebingen
Classification: Likely benign. Last evaluated: 2026-03-01. Review status: criteria provided, single submitter. Criteria: CeGaT Center For Human Genetics Tuebingen Variant Classification Criteria Version 2. Collection method: clinical testing. Allele origin: germline. Affected: yes. Observed: 4 variant alleles.
Comment: MAP3K14: BP4, BP7, BS2

Labcorp Genetics (formerly Invitae), Labcorp
Classification: Benign for NIK deficiency. Last evaluated: 2026-02-01. Review status: criteria provided, single submitter. Criteria: Invitae Variant Classification Sherloc (09022015). Collection method: clinical testing. Allele origin: germline.

ARUP Laboratories, Molecular Genetics and Genomics, ARUP Laboratories
Classification: Benign. Last evaluated: 2023-11-03. Review status: criteria provided, single submitter. Criteria: ARUP Molecular Germline Variant Investigation Process 2024. Collection method: clinical testing. Allele origin: germline.

Breakthrough Genomics
Classification: Benign. Review status: criteria provided, single submitter. Criteria: ACMG Guidelines, 2015. Collection method: not provided. Allele origin: germline. Inheritance: Unknown mechanism. Affected: yes.